The following is an entry in ClinVar:

NM_198253.3(TERT):c.3037C>T (p.His1013Tyr)

Gene: TERT (telomerase reverse transcriptase; minus strand). Cytogenetic location: 5p15.33.
Variant type: single nucleotide variant.
Coding change: c.3037C>T on transcript NM_198253.3 (MANE Select); coding-DNA position 3037, C replaced by T.
Protein change: p.His1013Tyr; replaces histidine 1013 with tyrosine.
Molecular consequence: missense variant. On other transcripts: non-coding transcript variant (2).
Genome position (GRCh38, 1-based): chr5:1,255,407, G>A on the plus strand (C>T on the coding strand, the complement: TERT is on the minus strand). VCF-style: chr5-1255407-G-A. GRCh37 (hg19) VCF-style: chr5-1255522-G-A.
Other names: c.2848C>T, p.His950Tyr (NM_001193376.3); c.3037C>T, p.His1013Tyr (NM_003219.1); short protein forms H1013Y, H950Y.
Identifiers: ClinVar variation 2951807 (VCV002951807.3), dbSNP rs2478084349, ClinGen allele CA359068368.

ClinVar aggregate classification (germline): Uncertain significance (1 of 4 stars; one submission).

Conditions:
Dyskeratosis congenita, autosomal dominant 2. Identifiers: MedGen C3151443, MONDO:0013521, OMIM 613989.
Idiopathic Pulmonary Fibrosis. Also called: Idiopathic fibrosing alveolitis, chronic form; idiopathic fibrosing alveolitis. Identifiers: Orphanet 2032, MedGen C1800706, MeSH D054990, MONDO:0800504.

Submission:

Labcorp Genetics (formerly Invitae), Labcorp
Classification: Uncertain significance for Dyskeratosis congenita, autosomal dominant 2; Idiopathic Pulmonary Fibrosis. Last evaluated: 2023-09-10. Review status: criteria provided, single submitter. Criteria: Invitae Variant Classification Sherloc (09022015). Collection method: clinical testing. Allele origin: germline.
Comment: In summary, the available evidence is currently insufficient to determine the role of this variant in disease. Therefore, it has been classified as a Variant of Uncertain Significance. Advanced modeling of protein sequence and biophysical properties (such as structural, functional, and spatial information, amino acid conservation, physicochemical variation, residue mobility, and thermodynamic stability) performed at Invitae indicates that this missense variant is expected to disrupt TERT protein function. This variant has not been reported in the literature in individuals affected with TERT-related conditions. This variant is not present in population databases (gnomAD no frequency). This sequence change replaces histidine, which is basic and polar, with tyrosine, which is neutral and polar, at codon 1013 of the TERT protein (p.His1013Tyr).